The following is an entry in ClinVar:

ClinVar aggregate classification (germline): Uncertain significance (1 of 4 stars; one submission).

Allele frequency attached by ClinVar (database versions not stated): ExAC 0.00001; TOPMed 0.00005; gnomAD 0.00007; 1000 Genomes Project 30x 0.00016; 1000 Genomes Project 0.00020.
gnomAD v4.1: 20 of 1,572,956 alleles (0.0013%); highest among the groups gnomAD compares: African/African-American, 0.019%; no homozygotes.

Submission:

Women's Health and Genetics/Laboratory Corporation of America, LabCorp
Classification: Uncertain significance. Last evaluated: 2023-07-26. Review status: criteria provided, single submitter. Criteria: LabCorp Variant Classification Summary - May 2015. Collection method: clinical testing. Allele origin: germline.
Comment: Variant summary: GLI1 c.1077+20G>A alters a non-conserved nucleotide located close to a canonical splice site and therefore could affect mRNA splicing, leading to a significantly altered protein sequence. 4/4 computational tools predict no significant impact on normal splicing. However, these predictions have yet to be confirmed by functional studies. The variant allele was found at a frequency of 8.5e-06 in 234952 control chromosomes. The available data on variant occurrences in the general population are insufficient to allow any conclusion about variant significance. To our knowledge, no occurrence of c.1077+20G>A in individuals affected with GLI1-Related Disorders and no experimental evidence demonstrating its impact on protein function have been reported. No submitters have cited clinical-significance assessments for this variant to ClinVar after 2014. Based on the evidence outlined above, the variant was classified as uncertain significance.

NM_005269.3(GLI1):c.1077+20G>A

Gene: GLI1 (GLI family zinc finger 1; plus strand). Cytogenetic location: 12q13.3.
Variant type: single nucleotide variant.
Coding change: c.1077+20G>A on transcript NM_005269.3 (MANE Select); 20 bases into the intron after coding-DNA position 1077, G replaced by A.
Molecular consequence: intron variant.
Genome position (GRCh38, 1-based): chr12:57,467,517, G>A. VCF-style: chr12-57467517-G-A. GRCh37 (hg19) VCF-style: chr12-57861300-G-A.
Other names: c.954+20G>A (NM_001167609.2); c.693+20G>A (NM_001160045.2).
Identifiers: ClinVar variation 2577052 (VCV002577052.1), dbSNP rs550467434, ClinGen allele CA6648697.
Genomic context (GRCh38, chr12:57,467,517, plus strand): 5'-GTGACCGAGCCAAGCACCAGAATCGGACCCATTCCAATGAGGTGAATGCCCTAACTAAGC[G>A]ACCCTCCCCTCTTGAGAAGCCACCTACCAGGGAGATTCCCCCATAAGAAATCCCTTAGCC-3'